The following is an entry in ClinVar:

ClinVar aggregate classification (germline): Uncertain significance (1 of 4 stars; one submission).

Conditions:
Alstrom syndrome (ALMS). Identifiers: Orphanet 64, MedGen C0268425, MONDO:0008763, OMIM 203800.

Allele frequency attached by ClinVar (database versions not stated): TOPMed 0.00002.
gnomAD v4.1: 4 of 1,614,144 alleles (0.00025%); highest among the groups gnomAD compares: African/African-American, 0.0053%; no homozygotes.

Submission:

Baylor Genetics
Classification: Uncertain significance for Alstrom syndrome. Last evaluated: 2018-07-31. Review status: criteria provided, single submitter. Criteria: ACMG Guidelines, 2015. Collection method: clinical testing. Allele origin: unknown. Affected: yes.
Comment: This variant was determined to be of uncertain significance according to ACMG Guidelines, 2015 [PMID:25741868].

NM_001378454.1(ALMS1):c.8183A>T (p.Asn2728Ile)

Gene: ALMS1 (ALMS1 centrosome and basal body associated protein; plus strand). Cytogenetic location: 2p13.1.
Variant type: single nucleotide variant.
Coding change: c.8183A>T on transcript NM_001378454.1 (MANE Select); coding-DNA position 8183, A replaced by T.
Protein change: p.Asn2728Ile; replaces asparagine 2728 with isoleucine.
Molecular consequence: missense variant.
Genome position (GRCh38, 1-based): chr2:73,490,142, A>T. VCF-style: chr2-73490142-A-T. GRCh37 (hg19) VCF-style: chr2-73717269-A-T.
Other names: c.8186A>T, p.Asn2729Ile (NM_015120.4); short protein forms N2728I, N2729I.
Identifiers: ClinVar variation 1033323 (VCV001033323.1), dbSNP rs886758563, ClinGen allele CA50378194.